The following is an entry in ClinVar:

NM_001035.3(RYR2):c.792_802del (p.Gly265fs)

Gene: RYR2 (ryanodine receptor 2; plus strand). Cytogenetic location: 1q43.
Variant type: Deletion.
Coding change: c.792_802del on transcript NM_001035.3 (MANE Select); coding-DNA positions 792 to 802, 11 bases deleted (TGGCGCTGTGT).
Protein change: p.Gly265fs; shifts the reading frame from glycine 265.
Molecular consequence: frameshift variant.
Genome position (GRCh38, 1-based): chr1:237,417,067-237,417,077, TGGCGCTGTGT deleted. VCF-style (leftmost placement, unchanged base first): chr1-237417066-GTGGCGCTGTGT-G. GRCh37 (hg19) VCF-style: chr1-237580366-GTGGCGCTGTGT-G.
Other names: short protein forms G265fs.
Identifiers: ClinVar variation 3075624 (VCV003075624.1), dbSNP rs1705078117, ClinGen allele CA1013732532.
Genomic context (GRCh38, chr1:237,417,066, plus strand): 5'-ATGTTTAACTCACATTTGGGCTTTTGTTTGTTTGTTGAAACAGAACTGTTCATTATGAAG[GTGGCGCTGTGT>G]CTGTTCATGCACGTTCCCTTTGGAGACTAGAGACGCTAAGAGTTGCGTAAGTAGAACTTC-3'

ClinVar aggregate classification (germline): Uncertain significance (1 of 4 stars; one submission).

Conditions:
Catecholaminergic polymorphic ventricular tachycardia (CVPT). Also called: Catecholamine-induced polymorphic ventricular tachycardia. Identifiers: Orphanet 3286, MedGen C5574922, MONDO:0017990.

Allele frequency attached by ClinVar (database versions not stated): gnomAD 0.00001.

Submission:

All of Us Research Program, National Institutes of Health
Classification: Uncertain significance for Catecholaminergic polymorphic ventricular tachycardia. Last evaluated: 2023-05-04. Review status: criteria provided, single submitter. Criteria: ACMG Guidelines, 2015. Collection method: clinical testing. Allele origin: germline. Inheritance: Autosomal dominant inheritance. Observed: 1 variant allele, 1 heterozygote.
Comment: This variant deletes 11 nucleotides in exon 11 of the RYR2 gene, creating a frameshift and premature translation stop signal. This variant is expected to result in an absent or non-functional protein product. To our knowledge, this variant has not been reported in individuals affected with cardiovascular disorders in the literature. This variant has not been identified in the general population by the Genome Aggregation Database (gnomAD). The role of loss-of-function RYR2 truncation and splice variants in autosomal dominant cardiovascular disorders is not clearly established. The available evidence is insufficient to determine the role of this variant in disease conclusively. Therefore, this variant is classified as a Variant of Uncertain Significance.

This study involves interpretation of variants in research participants for the purpose of population health screening. Participant phenotype was not available at the time of variant classification. Additional details can be found in publication PMID: 35346344, PMCID: PMC8962531